The following is an entry in ClinVar:

NM_001273.5(CHD4):c.2774+7A>G

Gene: CHD4 (chromodomain helicase DNA binding protein 4; minus strand). Cytogenetic location: 12p13.31.
Variant type: single nucleotide variant.
Coding change: c.2774+7A>G on transcript NM_001273.5 (MANE Select); 7 bases into the intron after coding-DNA position 2774, A replaced by G.
Molecular consequence: intron variant.
Genome position (GRCh38, 1-based): chr12:6,592,689, T>C on the plus strand (A>G on the coding strand, the complement: CHD4 is on the minus strand). VCF-style: chr12-6592689-T-C. GRCh37 (hg19) VCF-style: chr12-6701855-T-C.
Other names: c.2735+7A>G (NM_001363606.2); c.2753+7A>G (NM_001297553.2).
Identifiers: ClinVar variation 2026113 (VCV002026113.4), dbSNP rs2540397827, ClinGen allele CA2580086262.
Genomic context (GRCh38, chr12:6,592,689, plus strand): 5'-AGGAAATGGGCAACAGGAAGAATGAGAGGCACAATTATGAGCCGATTACAGATAAACACA[T>C]ACTTACTGGAACCTCTCGGGGGTGAGAAAGTTGAGCAGATGAAACAACTCTTCCAGATTG-3'

ClinVar aggregate classification (germline): Uncertain significance (1 of 4 stars; one submission).

Allele frequency attached by ClinVar (database versions not stated): gnomAD exomes below 0.00001.
gnomAD v4.1: 1 of 1,612,740 alleles (0.000062%); highest among the groups gnomAD compares: African/African-American, 0.0013%; no homozygotes.

Submission:

Labcorp Genetics (formerly Invitae), Labcorp
Classification: Uncertain significance. Last evaluated: 2022-09-06. Review status: criteria provided, single submitter. Criteria: Invitae Variant Classification Sherloc (09022015). Collection method: clinical testing. Allele origin: germline.
Comment: This sequence change falls in intron 18 of the CHD4 gene. It does not directly change the encoded amino acid sequence of the CHD4 protein. This variant is not present in population databases (gnomAD no frequency). This variant has not been reported in the literature in individuals affected with CHD4-related conditions. Algorithms developed to predict the effect of sequence changes on RNA splicing suggest that this variant may disrupt the consensus splice site. In summary, the available evidence is currently insufficient to determine the role of this variant in disease. Therefore, it has been classified as a Variant of Uncertain Significance.